The following is an entry in ClinVar:

NM_033380.3(COL4A5):c.2339C>T (p.Pro780Leu)

Gene: COL4A5 (collagen type IV alpha 5 chain; plus strand). Cytogenetic location: Xq22.3.
Variant type: single nucleotide variant.
Coding change: c.2339C>T on transcript NM_033380.3 (MANE Select); coding-DNA position 2339, C replaced by T.
Protein change: p.Pro780Leu; replaces proline 780 with leucine.
Molecular consequence: missense variant.
Genome position (GRCh38, 1-based): chrX:108,606,836, C>T. VCF-style: chrX-108606836-C-T. GRCh37 (hg19) VCF-style: chrX-107850066-C-T.
Other names: c.2339C>T, p.Pro780Leu (NM_000495.5); short protein forms P780L.
Identifiers: ClinVar variation 2631459 (VCV002631459.2), dbSNP rs773522610, ClinGen allele CA10488895.

ClinVar aggregate classification (germline): Uncertain significance (1 of 4 stars; one submission).

Conditions:
COL4A5-related disorder. Also called: COL4A5-related condition.

Allele frequency attached by ClinVar (database versions not stated): ExAC 0.00001.

Submission:

PreventionGenetics, part of Exact Sciences
Classification: Uncertain significance for COL4A5-related condition. Last evaluated: 2025-11-21. Review status: criteria provided, single submitter. Criteria: ACMG Guidelines, 2015. Collection method: clinical testing. Allele origin: germline.
Comment: The COL4A5 c.2339C>T variant is predicted to result in the amino acid substitution p.Pro780Leu. To our knowledge, this variant has not been reported in the literature. This variant is reported in 0.0072% of alleles in individuals of East Asian descent in gnomAD, including one hemizygote. At this time, the clinical significance of this variant is uncertain due to the absence of conclusive functional and genetic evidence.